The following is an entry in ClinVar:

ClinVar aggregate classification (germline): Uncertain significance (1 of 4 stars; one submission).

Submission:

Ambry Genetics
Classification: Uncertain significance. Last evaluated: 2026-05-14. Review status: criteria provided, single submitter. Criteria: Ambry Variant Classification Scheme 2023. Collection method: clinical testing. Allele origin: germline.
Comment: The p.G1159W variant (also known as c.3475G>T), located in coding exon 14 of the WNK2 gene, results from a G to T substitution at nucleotide position 3475. The glycine at codon 1159 is replaced by tryptophan, an amino acid with highly dissimilar properties. This amino acid position is conserved. In addition, this alteration is predicted to be tolerated by in silico analysis. Based on the available evidence, the clinical significance of this variant remains unclear.

NM_006648.4(WNK2):c.3475G>T (p.Gly1159Trp)

Gene: WNK2 (WNK lysine deficient protein kinase 2; plus strand). Cytogenetic location: 9q22.31.
Variant type: single nucleotide variant.
Coding change: c.3475G>T on transcript NM_006648.4 (MANE Select); coding-DNA position 3475, G replaced by T.
Protein change: p.Gly1159Trp; replaces glycine 1159 with tryptophan.
Molecular consequence: missense variant.
Genome position (GRCh38, 1-based): chr9:93,263,630, G>T. VCF-style: chr9-93263630-G-T. GRCh37 (hg19) VCF-style: chr9-96025912-G-T.
Other names: c.3475G>T, p.Gly1159Trp (NM_001282394.3); short protein forms G1159W.
Identifiers: ClinVar variation 4866657 (VCV004866657.1).